The following is an entry in ClinVar:

NM_080605.4(B3GALT6):c.533G>T (p.Arg178Leu)

Gene: B3GALT6 (beta-1,3-galactosyltransferase 6; plus strand). Cytogenetic location: 1p36.33.
Variant type: single nucleotide variant.
Coding change: c.533G>T on transcript NM_080605.4 (MANE Select); coding-DNA position 533, G replaced by T.
Protein change: p.Arg178Leu; replaces arginine 178 with leucine.
Molecular consequence: missense variant.
Genome position (GRCh38, 1-based): chr1:1,232,811, G>T. VCF-style: chr1-1232811-G-T. GRCh37 (hg19) VCF-style: chr1-1168191-G-T.
Other names: short protein forms R178L.
Identifiers: ClinVar variation 2054298 (VCV002054298.4), dbSNP rs2521968902, ClinGen allele CA337826396.

ClinVar aggregate classification (germline): Uncertain significance (1 of 4 stars; one submission).

Conditions:
Spondyloepimetaphyseal dysplasia with joint laxity (SEMDJL). Identifiers: MedGen C0432243, MONDO:0019675.
Ehlers-Danlos syndrome, spondylodysplastic type, 2 (EDSSPD2). Also called: Ehlers-Danlos syndrome, progeroid type, 2. Identifiers: Orphanet 536467, Orphanet 75496, MedGen C3809210, MONDO:0014139, OMIM 615349.

Submission:

Labcorp Genetics (formerly Invitae), Labcorp
Classification: Uncertain significance for Ehlers-Danlos syndrome, spondylodysplastic type, 2; Spondyloepimetaphyseal dysplasia with joint laxity. Last evaluated: 2021-12-23. Review status: criteria provided, single submitter. Criteria: Invitae Variant Classification Sherloc (09022015). Collection method: clinical testing. Allele origin: germline.
Comment: This variant has not been reported in the literature in individuals affected with B3GALT6-related conditions. In summary, the available evidence is currently insufficient to determine the role of this variant in disease. Therefore, it has been classified as a Variant of Uncertain Significance. Algorithms developed to predict the effect of missense changes on protein structure and function are either unavailable or do not agree on the potential impact of this missense change (SIFT: "Deleterious"; PolyPhen-2: "Possibly Damaging"; Align-GVGD: "Class C0"). This variant is not present in population databases (gnomAD no frequency). This sequence change replaces arginine, which is basic and polar, with leucine, which is neutral and non-polar, at codon 178 of the B3GALT6 protein (p.Arg178Leu).